The following is an entry in ClinVar:

NM_000334.4(SCN4A):c.*1271T>A

Genes: GH-LCR (growth hormone locus control region; plus strand), SCN4A (sodium voltage-gated channel alpha subunit 4; minus strand). Cytogenetic location: 17q23.3.
Variant type: single nucleotide variant.
Coding change: c.*1271T>A on transcript NM_000334.4 (MANE Select); 1271 bases downstream of the stop codon, T replaced by A.
Molecular consequence: 3 prime UTR variant.
Genome position (GRCh38, 1-based): chr17:63,939,500, A>T on the plus strand (T>A on the coding strand, the complement: SCN4A is on the minus strand). VCF-style: chr17-63939500-A-T. GRCh37 (hg19) VCF-style: chr17-62016860-A-T.
Identifiers: ClinVar variation 324483 (VCV000324483.7), dbSNP rs2727277, ClinGen allele CA10640195.
Genomic context (GRCh38, chr17:63,939,500, plus strand): 5'-CACACACACATACAGTCACGCACTTGAACACACACACAGCTATACACACAGGCCTATAAA[A>T]GCATACAAGCAGACACACAGCCACAGGTACACACACAAGTGAATAAATCCAGCGACGCCT-3'

ClinVar aggregate classification (germline): Benign. Review status: criteria provided, multiple submitters, no conflicts (2 of 4 stars). 6 submissions from 2 submitters: Benign (6). Last evaluated 2021-05-16.

Conditions:
Congenital myasthenic syndrome 16. Identifiers: Orphanet 590, MedGen C3280112, MONDO:0013620, OMIM 614198.
Paramyotonia congenita of Von Eulenburg. Also called: Paramyotonia Congenita; PARALYSIS PERIODICA PARAMYOTONICA; Eulenburg disease; Myotonia congenita intermittens; Von Eulenburg paramyotonia congenita. Identifiers: Orphanet 684, MedGen C0221055, MONDO:0008195, OMIM 168300. Disease mechanism: loss of function.
Hypokalemic periodic paralysis, type 2 (HOKPP2). Identifiers: Orphanet 681, MedGen C2750061, MONDO:0013234, OMIM 613345.
Potassium-aggravated myotonia. Also called: Myotonia congenita, atypical, acetazolamide-responsive; MYOTONIA CONGENITA, ACETAZOLAMIDE-RESPONSIVE; MYOTONIA CONGENITA, ATYPICAL; SODIUM CHANNEL MUSCLE DISEASE. Identifiers: Orphanet 612, Orphanet 99734, Orphanet 99735, Orphanet 99736, MedGen C2931826, MONDO:0018959, OMIM 608390.
Hyperkalemic periodic paralysis. Also called: Familial hyperkalemic periodic paralysis; Gamstorp disease. Identifiers: Orphanet 682, MedGen C0238357, MONDO:0008224, OMIM 170500, HP:0007215.

Allele frequency attached by ClinVar (database versions not stated): gnomAD exomes 0.01316; 1000 Genomes Project 0.19109; TOPMed 0.19121; gnomAD 0.18122 and 0.16919; 1000 Genomes Project 30x 0.20362.
gnomAD v4.1: 25,483 of 152,378 alleles (17%); highest among the groups gnomAD compares: African/African-American, 58%; 7,147 homozygotes.

Submissions (6):

GeneDx
Classification: Benign. Last evaluated: 2021-05-16. Review status: criteria provided, single submitter. Criteria: GeneDx Variant Classification Process June 2021. Collection method: clinical testing. Allele origin: germline. Affected: yes.

Illumina Laboratory Services, Illumina
Classification: Benign for Hypokalemic periodic paralysis, type 2. Last evaluated: 2018-01-12. Review status: criteria provided, single submitter. Criteria: ICSL Variant Classification Criteria 13 December 2019. Collection method: clinical testing. Allele origin: germline.
Comment: This variant was observed in the ICSL laboratory as part of a predisposition screen in an ostensibly healthy population. It had not been previously curated by ICSL or reported in the Human Gene Mutation Database (HGMD: prior to June 1st, 2018), and was therefore a candidate for classification through an automated scoring system. Utilizing variant allele frequency, disease prevalence and penetrance estimates, and inheritance mode, an automated score was calculated to assess if this variant is too frequent to cause the disease. Based on the score and internal cut-off values, a variant classified as benign is not then subjected to further curation. The score for this variant resulted in a classification of benign for this disease.

Illumina Laboratory Services, Illumina
Classification: Benign for Potassium-aggravated myotonia. Last evaluated: 2018-01-12. Review status: criteria provided, single submitter. Criteria: ICSL Variant Classification Criteria 13 December 2019. Collection method: clinical testing. Allele origin: germline.
Comment: the same text as in the submission from Illumina Laboratory Services, Illumina above.

Illumina Laboratory Services, Illumina
Classification: Benign for Paramyotonia congenita of Von Eulenburg. Last evaluated: 2018-01-12. Review status: criteria provided, single submitter. Criteria: ICSL Variant Classification Criteria 13 December 2019. Collection method: clinical testing. Allele origin: germline.
Comment: the same text as in the submission from Illumina Laboratory Services, Illumina above.

Illumina Laboratory Services, Illumina
Classification: Benign for Congenital myasthenic syndrome 16. Last evaluated: 2018-01-12. Review status: criteria provided, single submitter. Criteria: ICSL Variant Classification Criteria 13 December 2019. Collection method: clinical testing. Allele origin: germline.
Comment: the same text as in the submission from Illumina Laboratory Services, Illumina above.

Illumina Laboratory Services, Illumina
Classification: Benign for Hyperkalemic periodic paralysis. Last evaluated: 2018-01-12. Review status: criteria provided, single submitter. Criteria: ICSL Variant Classification Criteria 13 December 2019. Collection method: clinical testing. Allele origin: germline.
Comment: the same text as in the submission from Illumina Laboratory Services, Illumina above.